The following is an entry in ClinVar:

NM_006767.4(LZTR1):c.1687G>C (p.Glu563Gln)

Gene: LZTR1 (leucine zipper like post translational regulator 1; plus strand). Cytogenetic location: 22q11.21.
Variant type: single nucleotide variant.
Coding change: c.1687G>C on transcript NM_006767.4 (MANE Select); coding-DNA position 1687, G replaced by C.
Protein change: p.Glu563Gln; replaces glutamic acid 563 with glutamine.
Molecular consequence: missense variant.
Genome position (GRCh38, 1-based): chr22:20,994,629, G>C. VCF-style: chr22-20994629-G-C. GRCh37 (hg19) VCF-style: chr22-21348918-G-C.
Other names: NM_006767.4(LZTR1):c.1687G>C; p.Glu563Gln; c.1687G>C (NM_006767.3); short protein forms E563Q.
Identifiers: ClinVar variation 1184933 (VCV001184933.6), dbSNP rs1374240053, ClinGen allele CA410777780.

ClinVar aggregate classification (germline): Uncertain significance. Review status: reviewed by expert panel (3 of 4 stars). 4 submissions from 4 submitters: Uncertain significance (1). 3 of the submissions do not count toward it. Last evaluated 2024-12-03.

Conditions:
Hereditary cancer-predisposing syndrome. Also called: Hereditary neoplastic syndrome; Tumor predisposition; Neoplastic Syndromes, Hereditary; Hereditary Cancer Syndrome. Identifiers: Orphanet 140162, MedGen C0027672, MeSH D009386, MONDO:0015356.
Cardiovascular phenotype. Identifiers: MedGen CN230736.
RASopathy. Also called: rasopathies; Noonan spectrum disorder. Identifiers: Orphanet 536391, MedGen C5555857, MONDO:0021060.

Allele frequency attached by ClinVar (database versions not stated): gnomAD exomes below 0.00001.
gnomAD v4.1: 4 of 1,612,724 alleles (0.00025%); highest among the groups gnomAD compares: South Asian, 0.0022%; no homozygotes.

Submissions (4):

ClinGen RASopathy Variant Curation Expert Panel
Classification: Uncertain significance for RASopathy. Last evaluated: 2024-12-03. Review status: reviewed by expert panel. Criteria: ClinGen RASopathy ACMG Specifications LZTR1 V1.3.0. Collection method: curation. Allele origin: germline. Inheritance: Autosomal recessive inheritance.
Comment: The NM_006767.4:c.1687G>C variant in LZTR1 is a missense variant predicted to cause substitution of glutamic acid by glutamine at amino acid 563 (p.Glu563Gln). The filtering allele frequency (the upper threshold of the 95% CI of 1/30612) of the c.1687G>C variant in LZTR1 is 0.0 for South Asian chromosomes by gnomAD v2.1.1, which is lower than the ClinGen RASopathy VCEP threshold (≤0.000025) for PM2_Supporting, and therefore meets this criterion (PM2_Supporting). The computational predictor REVEL gives a score of 0.14, which is below the threshold of 0.3, evidence that does not predict a damaging effect on LZTR1 function (BP4). They were homozygous for the variant (0.5 PM3 points, PMID: 29469822) (PM3_Supporting). LZTR1 stability in COS-1 cells showed almost absent expression levels by immunoblotting and relative quatitative analyses indicating that this variant impacts protein function (PMID:30481304)(PS3_Supporting). In summary, this variant meets the criteria to be classified as uncertain significance with conflicting evidence for autosomal recessive RASopathy based on the ACMG/AMP criteria applied, as specified by the ClinGen RASopathy VCEP: PS3_Supporting, PM2_Supporting, PM3_Supporting, BP4. (ClinGen RASopathy VCEP specifications version 1.3; 12/3/2024)

Labcorp Genetics (formerly Invitae), Labcorp
Classification: Pathogenic. Last evaluated: 2025-07-03. Review status: criteria provided, single submitter. Criteria: Invitae Variant Classification Sherloc (09022015). Collection method: clinical testing. Allele origin: germline. Not counted in ClinVar's aggregate classification.
Comment: This sequence change replaces glutamic acid, which is acidic and polar, with glutamine, which is neutral and polar, at codon 563 of the LZTR1 protein (p.Glu563Gln). This variant is present in population databases (no rsID available, gnomAD 0.003%). This missense change has been observed in individual(s) with LZTR1-related conditions (PMID: 29469822, 35258168). In at least one individual the data is consistent with being in trans (on the opposite chromosome) from a pathogenic variant. It has also been observed to segregate with disease in related individuals. ClinVar contains an entry for this variant (Variation ID: 1184933). Invitae Evidence Modeling of protein sequence and biophysical properties (such as structural, functional, and spatial information, amino acid conservation, physicochemical variation, residue mobility, and thermodynamic stability) indicates that this missense variant is not expected to disrupt LZTR1 protein function with a negative predictive value of 80%. Experimental studies have shown that this missense change affects LZTR1 function (PMID: 29469822). Algorithms developed to predict the effect of sequence changes on RNA splicing suggest that this variant may create or strengthen a splice site. For these reasons, this variant has been classified as Pathogenic.

Ambry Genetics
Classification: Uncertain significance for Cardiovascular phenotype; Hereditary cancer-predisposing syndrome. Last evaluated: 2024-07-09. Review status: criteria provided, single submitter. Criteria: Ambry Variant Classification Scheme 2023. Collection method: clinical testing. Allele origin: germline. Not counted in ClinVar's aggregate classification.
Comment: The p.E563Q variant (also known as c.1687G>C), located in coding exon 15 of the LZTR1 gene, results from a G to C substitution at nucleotide position 1687. The glutamic acid at codon 563 is replaced by glutamine, an amino acid with highly similar properties. This variant has been identified in the homozygous state in two siblings who met clinical criteria for Noonan syndrome (Johnston JJ et al. Genet Med, 2018 Oct;20:1175-1185). Additionally, this variant has been identified in conjunction with another LZTR1 variant in at least one individual who met clinical criteria for Noonan syndrome; in at least one instance, the variants were identified in trans (De Ridder W et al. Am J Med Genet A, 2022 Jun;188:1801-1807; Swarts JW et al. Am J Med Genet A, 2022 Nov;188:3242-3261). This variant was reported in an individual with a vestibular schwannoma and a family history of unilateral vestibular schwannomas; no NF1 pathogenic variants were detected in this individual (Evans DG et al. Laryngoscope, 2019 Apr;129:967-973). This amino acid position is highly conserved in available vertebrate species. In addition, the in silico prediction for this alteration is inconclusive. Based on the available evidence, the clinical significance of this variant remains unclear.

Institute of Medical Genetics and Applied Genomics, University Hospital Tübingen
Classification: Likely pathogenic. Last evaluated: 2021-06-17. Review status: criteria provided, single submitter. Criteria: ACMG Guidelines, 2015. Collection method: clinical testing. Allele origin: germline. Inheritance: Autosomal recessive inheritance. Affected: yes. Not counted in ClinVar's aggregate classification.

Literature cited by the submitters: PubMed 29469822 (cited by Labcorp Genetics (formerly Invitae), Labcorp and Ambry Genetics); PubMed 35258168 (cited by Labcorp Genetics (formerly Invitae), Labcorp and Ambry Genetics); PubMed 30325044 (cited by Ambry Genetics); PubMed 35979676 (cited by Ambry Genetics).